The following is an entry in ClinVar:

ClinVar aggregate classification (germline): Benign. Review status: criteria provided, multiple submitters, no conflicts (2 of 4 stars). 2 submissions from 2 submitters: Benign (2). Last evaluated 2026-01-27.

Allele frequency attached by ClinVar (database versions not stated): gnomAD exomes 0.00054; 1000 Genomes Project 0.00439; 1000 Genomes Project 30x 0.00484; gnomAD 0.00539 and 0.00581; TOPMed 0.00623; ESP Exome Variant Server 0.00677.
gnomAD v4.1: 1,672 of 1,614,228 alleles (0.1%); highest among the groups gnomAD compares: African/African-American, 1.9%; 13 homozygotes.

Submissions (2):

Labcorp Genetics (formerly Invitae), Labcorp
Classification: Benign. Last evaluated: 2026-01-27. Review status: criteria provided, single submitter. Criteria: Invitae Variant Classification Sherloc (09022015). Collection method: clinical testing. Allele origin: germline.

GeneDx
Classification: Benign. Last evaluated: 2014-08-06. Review status: criteria provided, single submitter. Criteria: GeneDx Variant Classification (06012015). Collection method: clinical testing. Allele origin: germline. Affected: yes.
Comment: This variant is considered likely benign or benign based on one or more of the following criteria: it is a conservative change, it occurs at a poorly conserved position in the protein, it is predicted to be benign by multiple in silico algorithms, and/or has population frequency not consistent with disease.

NM_138395.4(MARS2):c.606A>G (p.Pro202=)

Gene: MARS2 (methionyl-tRNA synthetase 2, mitochondrial; plus strand). Cytogenetic location: 2q33.1.
Variant type: single nucleotide variant.
Coding change: c.606A>G on transcript NM_138395.4 (MANE Select); coding-DNA position 606, A replaced by G.
Protein change: p.Pro202=; no amino-acid change (proline 202 retained).
Molecular consequence: synonymous variant.
Genome position (GRCh38, 1-based): chr2:197,706,011, A>G. VCF-style: chr2-197706011-A-G. GRCh37 (hg19) VCF-style: chr2-198570735-A-G.
Other names: p.P202P:CCA>CCG.
Identifiers: ClinVar variation 214625 (VCV000214625.11), dbSNP rs34908171, ClinGen allele CA323698.